The following is an entry in ClinVar:

NM_001256789.3(CACNA1F):c.3438+1G>A

Gene: CACNA1F (calcium voltage-gated channel subunit alpha1 F; minus strand). Cytogenetic location: Xp11.23.
Variant type: single nucleotide variant.
Coding change: c.3438+1G>A on transcript NM_001256789.3 (MANE Select); the canonical splice donor site of the intron after coding-DNA position 3438, G replaced by A.
Molecular consequence: splice donor variant.
Genome position (GRCh38, 1-based): chrX:49,215,341, C>T on the plus strand (G>A on the coding strand, the complement: CACNA1F is on the minus strand). VCF-style: chrX-49215341-C-T. GRCh37 (hg19) VCF-style: chrX-49071801-C-T.
Other names: c.3276+1G>A (NM_001256790.3); c.3471+1G>A (NM_005183.4).
Identifiers: ClinVar variation 3662584 (VCV003662584.2).

ClinVar aggregate classification (germline): Likely pathogenic (1 of 4 stars; one submission).

Submission:

Labcorp Genetics (formerly Invitae), Labcorp
Classification: Likely pathogenic. Last evaluated: 2024-08-31. Review status: criteria provided, single submitter. Criteria: Invitae Variant Classification Sherloc (09022015). Collection method: clinical testing. Allele origin: germline.
Comment: This sequence change affects a donor splice site in intron 28 of the CACNA1F gene. It is expected to disrupt RNA splicing. Variants that disrupt the donor or acceptor splice site typically lead to a loss of protein function (PMID: 16199547), and loss-of-function variants in CACNA1F are known to be pathogenic (PMID: 9662399, 11281458, 17525176, 22194652, 24124559, 26992781). This variant is not present in population databases (gnomAD no frequency). Disruption of this splice site has been observed in individual(s) with congenital stationary night blindness, type 2A (PMID: 30825406). Algorithms developed to predict the effect of sequence changes on RNA splicing suggest that this variant may disrupt the consensus splice site. In summary, the currently available evidence indicates that the variant is pathogenic, but additional data are needed to prove that conclusively. Therefore, this variant has been classified as Likely Pathogenic.

Literature cited by the submitters: PubMed 16199547; PubMed 9662399; PubMed 11281458; PubMed 17525176; PubMed 22194652; PubMed 24124559; PubMed 26992781; PubMed 30825406.